The following is an entry in ClinVar:

NM_144701.3(IL23R):c.1293T>A (p.Asp431Glu)

Gene: IL23R (interleukin 23 receptor; plus strand). Cytogenetic location: 1p31.3.
Variant type: single nucleotide variant.
Coding change: c.1293T>A on transcript NM_144701.3 (MANE Select); coding-DNA position 1293, T replaced by A.
Protein change: p.Asp431Glu; replaces aspartic acid 431 with glutamic acid.
Molecular consequence: missense variant.
Genome position (GRCh38, 1-based): chr1:67,258,531, T>A. VCF-style: chr1-67258531-T-A. GRCh37 (hg19) VCF-style: chr1-67724214-T-A.
Other names: short protein forms D431E.
Identifiers: ClinVar variation 4780734 (VCV004780734.1).

ClinVar aggregate classification (germline): Uncertain significance (1 of 4 stars; one submission).

gnomAD v4.1: 17 of 1,606,848 alleles (0.0011%); highest among the groups gnomAD compares: Non-Finnish European, 0.00042%; no homozygotes.

Submission:

Labcorp Genetics (formerly Invitae), Labcorp
Classification: Uncertain significance. Last evaluated: 2026-01-02. Review status: criteria provided, single submitter. Criteria: Invitae Variant Classification Sherloc (09022015). Collection method: clinical testing. Allele origin: germline.
Comment: This sequence change replaces aspartic acid, which is acidic and polar, with glutamic acid, which is acidic and polar, at codon 431 of the IL23R protein (p.Asp431Glu). This variant is present in population databases (rs199885679, gnomAD 0.04%). This variant has not been reported in the literature in individuals affected with IL23R-related conditions. An algorithm developed to predict the effect of missense changes on protein structure and function (PolyPhen-2) suggests that this variant is likely to be disruptive. In summary, the available evidence is currently insufficient to determine the role of this variant in disease. Therefore, it has been classified as a Variant of Uncertain Significance.